The following is an entry in ClinVar:

ClinVar aggregate classification (germline): Uncertain significance (0 of 4 stars; one submission).

Conditions:
NRP1-related disorder. Also called: NRP1-related condition.

gnomAD v4.1: 8 of 1,611,558 alleles (0.0005%); highest among the groups gnomAD compares: Non-Finnish European, 0.00068%; no homozygotes.

Submission:

PreventionGenetics, part of Exact Sciences
Classification: Uncertain significance for NRP1-related condition. Last evaluated: 2024-08-09. Review status: no assertion criteria provided. Collection method: clinical testing. Allele origin: germline.
Comment: The NRP1 c.1621G>C variant is predicted to result in the amino acid substitution p.Glu541Gln. To our knowledge, this variant has not been reported in the literature or in a large population database, indicating this variant is rare. At this time, the clinical significance of this variant is uncertain due to the absence of conclusive functional and genetic evidence.

NM_003873.7(NRP1):c.1621G>C (p.Glu541Gln)

Gene: NRP1 (neuropilin 1; minus strand). Cytogenetic location: 10p11.22.
Variant type: single nucleotide variant.
Coding change: c.1621G>C on transcript NM_003873.7 (MANE Select); coding-DNA position 1621, G replaced by C.
Protein change: p.Glu541Gln; replaces glutamic acid 541 with glutamine.
Molecular consequence: missense variant. On other transcripts: non-coding transcript variant (1).
Genome position (GRCh38, 1-based): chr10:33,207,710, C>G on the plus strand (G>C on the coding strand, the complement: NRP1 is on the minus strand). VCF-style: chr10-33207710-C-G. GRCh37 (hg19) VCF-style: chr10-33496638-C-G.
Other names: c.1621G>C, p.Glu541Gln (NM_001024628.3, NM_001024629.3, NM_001244972.2 and 2 more transcripts); short protein forms E541Q.
Identifiers: ClinVar variation 3354386 (VCV003354386.1).